The following is an entry in ClinVar:

ClinVar aggregate classification (germline): Uncertain significance. Review status: criteria provided, multiple submitters, no conflicts (2 of 4 stars). 2 submissions from 2 submitters: Uncertain significance (2). Last evaluated 2024-11-05.

Allele frequency attached by ClinVar (database versions not stated): ExAC 0.00002; gnomAD exomes 0.00002 and 0.00003; gnomAD 0.00006; TOPMed 0.00008.

Submissions (2):

Labcorp Genetics (formerly Invitae), Labcorp
Classification: Uncertain significance. Last evaluated: 2024-11-05. Review status: criteria provided, single submitter. Criteria: Invitae Variant Classification Sherloc (09022015). Collection method: clinical testing. Allele origin: germline.
Comment: This sequence change replaces arginine, which is basic and polar, with tryptophan, which is neutral and slightly polar, at codon 639 of the GPR179 protein (p.Arg639Trp). This variant is present in population databases (rs751651912, gnomAD 0.01%). This variant has not been reported in the literature in individuals affected with GPR179-related conditions. ClinVar contains an entry for this variant (Variation ID: 1478482). An algorithm developed to predict the effect of missense changes on protein structure and function (PolyPhen-2) suggests that this variant is likely to be disruptive. In summary, the available evidence is currently insufficient to determine the role of this variant in disease. Therefore, it has been classified as a Variant of Uncertain Significance.

Blueprint Genetics
Classification: Uncertain significance. Last evaluated: 2024-10-02. Review status: criteria provided, single submitter. Criteria: ACMG Guidelines, 2015. Collection method: clinical testing. Allele origin: germline.

NM_001004334.4(GPR179):c.1915C>T (p.Arg639Trp)

Gene: GPR179 (G protein-coupled receptor 179; minus strand). Cytogenetic location: 17q12.
Variant type: single nucleotide variant.
Coding change: c.1915C>T on transcript NM_001004334.4 (MANE Select); coding-DNA position 1915, C replaced by T.
Protein change: p.Arg639Trp; replaces arginine 639 with tryptophan.
Molecular consequence: missense variant.
Genome position (GRCh38, 1-based): chr17:38,333,373, G>A on the plus strand (C>T on the coding strand, the complement: GPR179 is on the minus strand). VCF-style: chr17-38333373-G-A. GRCh37 (hg19) VCF-style: chr17-36489256-G-A.
Other names: short protein forms R639W.
Identifiers: ClinVar variation 1478482 (VCV001478482.5), dbSNP rs751651912, ClinGen allele CA290107877.